The following is an entry in ClinVar:

NM_022726.4(ELOVL4):c.232G>A (p.Val78Met)

Gene: ELOVL4 (ELOVL fatty acid elongase 4; minus strand). Cytogenetic location: 6q14.1.
Variant type: single nucleotide variant.
Coding change: c.232G>A on transcript NM_022726.4 (MANE Select); coding-DNA position 232, G replaced by A.
Protein change: p.Val78Met; replaces valine 78 with methionine.
Molecular consequence: missense variant.
Genome position (GRCh38, 1-based): chr6:79,926,250, C>T on the plus strand (G>A on the coding strand, the complement: ELOVL4 is on the minus strand). VCF-style: chr6-79926250-C-T. GRCh37 (hg19) VCF-style: chr6-80635967-C-T.
Other names: short protein forms V78M.
Identifiers: ClinVar variation 2663146 (VCV002663146.3), dbSNP rs767796220, ClinGen allele CA3901587.

ClinVar aggregate classification (germline): Uncertain significance. Review status: criteria provided, multiple submitters, no conflicts (2 of 4 stars). 2 submissions from 2 submitters: Uncertain significance (2). Last evaluated 2024-04-30.

Allele frequency attached by ClinVar (database versions not stated): ExAC 0.00001.
gnomAD v4.1: 1 of 1,613,900 alleles (0.000062%); no homozygotes.

Submissions (2):

Labcorp Genetics (formerly Invitae), Labcorp
Classification: Uncertain significance. Last evaluated: 2024-04-30. Review status: criteria provided, single submitter. Criteria: Invitae Variant Classification Sherloc (09022015). Collection method: clinical testing. Allele origin: germline.
Comment: This sequence change replaces valine, which is neutral and non-polar, with methionine, which is neutral and non-polar, at codon 78 of the ELOVL4 protein (p.Val78Met). This variant is present in population databases (rs767796220, gnomAD no frequency). This variant has not been reported in the literature in individuals affected with ELOVL4-related conditions. ClinVar contains an entry for this variant (Variation ID: 2663146). Advanced modeling of protein sequence and biophysical properties (such as structural, functional, and spatial information, amino acid conservation, physicochemical variation, residue mobility, and thermodynamic stability) performed at Invitae indicates that this missense variant is not expected to disrupt ELOVL4 protein function with a negative predictive value of 80%. In summary, the available evidence is currently insufficient to determine the role of this variant in disease. Therefore, it has been classified as a Variant of Uncertain Significance.

GeneDx
Classification: Uncertain significance. Last evaluated: 2023-04-10. Review status: criteria provided, single submitter. Criteria: GeneDx Variant Classification Process June 2021. Collection method: clinical testing. Allele origin: germline. Affected: yes.
Comment: Not observed at significant frequency in large population cohorts (gnomAD); In silico analysis supports that this missense variant does not alter protein structure/function; Has not been previously published as pathogenic or benign to our knowledge